The following is an entry in ClinVar:

NM_020686.6(ABAT):c.199-2A>C

Gene: ABAT (4-aminobutyrate aminotransferase; plus strand). Cytogenetic location: 16p13.2.
Variant type: single nucleotide variant.
Coding change: c.199-2A>C on transcript NM_020686.6 (MANE Select); the canonical splice acceptor site of the intron before coding-DNA position 199, A replaced by C.
Molecular consequence: splice acceptor variant. On other transcripts: intron variant (2).
Genome position (GRCh38, 1-based): chr16:8,750,420, A>C. VCF-style: chr16-8750420-A-C. GRCh37 (hg19) VCF-style: chr16-8844277-A-C.
Other names: c.199-2A>C (NM_001386602.1, NM_001386615.1, NM_001386609.1 and 11 more transcripts); c.101-39A>C (NM_001386610.1); c.71-7337A>C (NM_001386614.1); c.64-2A>C (NM_001386611.1, NM_001386612.1, NM_001386613.1).
Identifiers: ClinVar variation 2070793 (VCV002070793.4), dbSNP rs2549024674, ClinGen allele CA394687731.

ClinVar aggregate classification (germline): Likely pathogenic (1 of 4 stars; one submission).

Conditions:
Gamma-aminobutyric acid transaminase deficiency (GABATD). Also called: GABA transaminase deficiency; Gamma aminobutyrate transaminase deficiency; 4 alpha aminobutyrate transaminase deficiency; GABA aminotransaminase deficiency. Identifiers: Orphanet 2066, MedGen C0342708, MONDO:0013166, OMIM 613163.

Submission:

Labcorp Genetics (formerly Invitae), Labcorp
Classification: Likely pathogenic for Gamma-aminobutyric acid transaminase deficiency. Last evaluated: 2025-02-24. Review status: criteria provided, single submitter. Criteria: Invitae Variant Classification Sherloc (09022015). Collection method: clinical testing. Allele origin: germline.
Comment: This sequence change affects an acceptor splice site in intron 4 of the ABAT gene. It is expected to disrupt RNA splicing. Variants that disrupt the donor or acceptor splice site typically lead to a loss of protein function (PMID: 16199547), and loss-of-function variants in ABAT are known to be pathogenic (PMID: 20052547, 25738457). This variant is not present in population databases (gnomAD no frequency). This variant has not been reported in the literature in individuals affected with ABAT-related conditions. ClinVar contains an entry for this variant (Variation ID: 2070793). Algorithms developed to predict the effect of sequence changes on RNA splicing suggest that this variant may disrupt the consensus splice site. In summary, the currently available evidence indicates that the variant is pathogenic, but additional data are needed to prove that conclusively. Therefore, this variant has been classified as Likely Pathogenic.

Literature cited by the submitters: PubMed 16199547; PubMed 20052547; PubMed 25738457.